The following is an entry in ClinVar:

NM_003072.5(SMARCA4):c.80T>C (p.Met27Thr)

Gene: SMARCA4 (SWI/SNF related BAF chromatin remodeling complex subunit ATPase 4; plus strand). Cytogenetic location: 19p13.2.
Variant type: single nucleotide variant.
Coding change: c.80T>C on transcript NM_003072.5 (MANE Select); coding-DNA position 80, T replaced by C.
Protein change: p.Met27Thr; replaces methionine 27 with threonine.
Molecular consequence: missense variant. On other transcripts: non-coding transcript variant (1).
Genome position (GRCh38, 1-based): chr19:10,984,231, T>C. VCF-style: chr19-10984231-T-C. GRCh37 (hg19) VCF-style: chr19-11094907-T-C.
Other names: c.80T>C, p.Met27Thr (NM_001128844.3, NM_001128845.2, NM_001128846.2 and 6 more transcripts); c.80T>C (NM_001128849.1); short protein forms M27T.
Identifiers: ClinVar variation 1910604 (VCV001910604.6), dbSNP rs2145722539, ClinGen allele CA404054097.

ClinVar aggregate classification (germline): Uncertain significance. Review status: criteria provided, multiple submitters, no conflicts (2 of 4 stars). 2 submissions from 2 submitters: Uncertain significance (2). Last evaluated 2026-09-14.

Conditions:
Hereditary cancer-predisposing syndrome. Also called: Hereditary neoplastic syndrome; Neoplastic Syndromes, Hereditary; Tumor predisposition; Hereditary Cancer Syndrome. Identifiers: Orphanet 140162, MedGen C0027672, MeSH D009386, MONDO:0015356.
Rhabdoid tumor predisposition syndrome 2 (RTPS2). Identifiers: Orphanet 231108, Orphanet 69077, MedGen C2750074, MONDO:0013224, OMIM 613325.

Submissions (2):

Ambry Genetics
Classification: Uncertain significance for Hereditary cancer-predisposing syndrome. Last evaluated: 2026-09-14. Review status: criteria provided, single submitter. Criteria: Ambry Variant Classification Scheme 2023. Collection method: clinical testing. Allele origin: germline.
Comment: The p.M27T variant (also known as c.80T>C), located in coding exon 1 of the SMARCA4 gene, results from a T to C substitution at nucleotide position 80. The methionine at codon 27 is replaced by threonine, an amino acid with similar properties. This amino acid position is well conserved in available vertebrate species. In addition, the in silico prediction for this alteration is inconclusive. Based on the available evidence, the clinical significance of this variant remains unclear.

Labcorp Genetics (formerly Invitae), Labcorp
Classification: Uncertain significance for Rhabdoid tumor predisposition syndrome 2. Last evaluated: 2021-12-15. Review status: criteria provided, single submitter. Criteria: Invitae Variant Classification Sherloc (09022015). Collection method: clinical testing. Allele origin: germline.
Comment: This variant has not been reported in the literature in individuals affected with SMARCA4-related conditions. This variant is not present in population databases (gnomAD no frequency). This sequence change replaces methionine, which is neutral and non-polar, with threonine, which is neutral and polar, at codon 27 of the SMARCA4 protein (p.Met27Thr). Algorithms developed to predict the effect of missense changes on protein structure and function are either unavailable or do not agree on the potential impact of this missense change (SIFT: "Deleterious"; PolyPhen-2: "Not Available"; Align-GVGD: "Class C65"). In summary, the available evidence is currently insufficient to determine the role of this variant in disease. Therefore, it has been classified as a Variant of Uncertain Significance.